The following is an entry in ClinVar:

NM_006231.4(POLE):c.4667G>T (p.Arg1556Leu)

Gene: POLE (DNA polymerase epsilon, catalytic subunit; minus strand). Cytogenetic location: 12q24.33.
Variant type: single nucleotide variant.
Coding change: c.4667G>T on transcript NM_006231.4 (MANE Select); coding-DNA position 4667, G replaced by T.
Protein change: p.Arg1556Leu; replaces arginine 1556 with leucine.
Molecular consequence: missense variant.
Genome position (GRCh38, 1-based): chr12:132,642,881, C>A on the plus strand (G>T on the coding strand, the complement: POLE is on the minus strand). VCF-style: chr12-132642881-C-A. GRCh37 (hg19) VCF-style: chr12-133219467-C-A.
Other names: c.4667G>T (NM_006231.2); short protein forms R1556L.
Identifiers: ClinVar variation 1932397 (VCV001932397.6), dbSNP rs762965148, ClinGen allele CA387378902.

ClinVar aggregate classification (germline): Uncertain significance. Review status: criteria provided, multiple submitters, no conflicts (2 of 4 stars). 2 submissions from 2 submitters: Uncertain significance (2). Last evaluated 2025-03-07.

Conditions:
Hereditary cancer-predisposing syndrome. Also called: Neoplastic Syndromes, Hereditary; Hereditary Cancer Syndrome; Tumor predisposition; Hereditary neoplastic syndrome. Identifiers: Orphanet 140162, MedGen C0027672, MeSH D009386, MONDO:0015356.

Submissions (2):

Ambry Genetics
Classification: Uncertain significance for Hereditary cancer-predisposing syndrome. Last evaluated: 2025-03-07. Review status: criteria provided, single submitter. Criteria: Ambry Variant Classification Scheme 2023. Collection method: clinical testing. Allele origin: germline.
Comment: The p.R1556L variant (also known as c.4667G>T), located in coding exon 36 of the POLE gene, results from a G to T substitution at nucleotide position 4667. The arginine at codon 1556 is replaced by leucine, an amino acid with dissimilar properties. This amino acid position is highly conserved in available vertebrate species. In addition, the in silico prediction for this alteration is inconclusive. Based on the available evidence, the clinical significance of this variant remains unclear.

Labcorp Genetics (formerly Invitae), Labcorp
Classification: Uncertain significance. Last evaluated: 2022-05-08. Review status: criteria provided, single submitter. Criteria: Invitae Variant Classification Sherloc (09022015). Collection method: clinical testing. Allele origin: germline.
Comment: This sequence change replaces arginine, which is basic and polar, with leucine, which is neutral and non-polar, at codon 1556 of the POLE protein (p.Arg1556Leu). This variant is not present in population databases (gnomAD no frequency). This variant has not been reported in the literature in individuals affected with POLE-related conditions. Algorithms developed to predict the effect of missense changes on protein structure and function (SIFT, PolyPhen-2, Align-GVGD) all suggest that this variant is likely to be tolerated. In summary, the available evidence is currently insufficient to determine the role of this variant in disease. Therefore, it has been classified as a Variant of Uncertain Significance.